The following is an entry in ClinVar:

NM_016038.4(SBDS):c.253A>C (p.Lys85Gln)

Gene: SBDS (SBDS ribosome maturation factor; minus strand). Cytogenetic location: 7q11.21.
Variant type: single nucleotide variant.
Coding change: c.253A>C on transcript NM_016038.4 (MANE Select); coding-DNA position 253, A replaced by C.
Protein change: p.Lys85Gln; replaces lysine 85 with glutamine.
Molecular consequence: missense variant.
Genome position (GRCh38, 1-based): chr7:66,994,217, T>G on the plus strand (A>C on the coding strand, the complement: SBDS is on the minus strand). VCF-style: chr7-66994217-T-G. GRCh37 (hg19) VCF-style: chr7-66459204-T-G.
Other names: short protein forms K85Q.
Identifiers: ClinVar variation 3437523 (VCV003437523.1).

ClinVar aggregate classification (germline): Uncertain significance (1 of 4 stars; one submission).

Conditions:
Inborn genetic diseases. Identifiers: MedGen C0950123, MeSH D030342.

gnomAD v4.1: 3 of 1,614,012 alleles (0.00019%); highest among the groups gnomAD compares: African/African-American, 0.004%; no homozygotes.

Submission:

Ambry Genetics
Classification: Uncertain significance for Inborn genetic diseases. Last evaluated: 2024-11-23. Review status: criteria provided, single submitter. Criteria: Ambry Variant Classification Scheme 2023. Collection method: clinical testing. Allele origin: germline.
Comment: The p.K85Q variant (also known as c.253A>C), located in coding exon 2 of the SBDS gene, results from an A to C substitution at nucleotide position 253. The lysine at codon 85 is replaced by glutamine, an amino acid with similar properties. This amino acid position is conserved. In addition, the in silico prediction for this alteration is inconclusive. Based on the available evidence, the clinical significance of this variant remains unclear.